The following is an entry in ClinVar:

ClinVar aggregate classification (germline): Pathogenic/Likely pathogenic. Review status: criteria provided, multiple submitters, no conflicts (2 of 4 stars). 5 submissions from 5 submitters: Pathogenic (2); Likely pathogenic (2). 1 of the submissions does not count toward it. Last evaluated 2026-04-18.

Conditions:
Anauxetic dysplasia. Identifiers: Orphanet 93347, MedGen C1846796, MONDO:0011773.
Metaphyseal chondrodysplasia, McKusick type (CHH). Also called: Cartilage-Hair Hypoplasia (CHH); Cartilage-hair hypoplasia. Identifiers: Orphanet 175, MedGen C0220748, MONDO:0009595, OMIM 250250.

Submissions (5):

Dasa
Classification: Likely pathogenic. Last evaluated: 2026-04-18. Review status: criteria provided, single submitter. Criteria: DASA Assertion Criteria. Collection method: clinical testing. Allele origin: germline.
Comment: NR_003051.3(RMRP):n.-24_-15dup is a sequence variant. The affected residue or protein region has prior evidence supporting clinical relevance. This variant has been recurrently observed in individuals with RMRP-related disorders (PMID: 11207361; PMID: 16254002). Functional evidence supports an impact on the gene or gene product (PMID: 11207361; PMID: 16254002; PMID: 16244706; PMID: 12107819; PMID: 21956908). Also, this variant is rare in population databases. Based on the currently available evidence, this variant is classified as likely pathogenic.

Labcorp Genetics (formerly Invitae), Labcorp
Classification: Pathogenic for Anauxetic dysplasia. Last evaluated: 2025-12-30. Review status: criteria provided, single submitter. Criteria: Invitae Variant Classification Sherloc (09022015). Collection method: clinical testing. Allele origin: germline.
Comment: This variant occurs in the RMRP gene, which encodes an RNA molecule that does not result in a protein product. This variant is not present in population databases (gnomAD no frequency). While this particular variant has not been reported in the literature, it is located in the promoter region between the TATA box and the transcription initiation site, and other insertions and duplications immediately upstream of the coding sequence have been reported in individuals affected with cartilage-hair hypoplasia-anauxetic dysplasia (CHH-AD) spectrum disorders (PMID: 16244706, 11207361, 12107819). While functional studies for this variant have not been reported, experimental analyses using patient derived cells, as well as in vitro transfection studies, have shown that promoter insertions result in silencing of RMRP transcription and reduced expression of the gene product (PMID: 11207361, 16254002). For these reasons, this variant has been classified as Pathogenic.

Natera, Inc.
Classification: Likely pathogenic for Cartilage-hair hypoplasia. Last evaluated: 2024-06-24. Review status: criteria provided, single submitter. Criteria: Natera Variant Classification Schema (03/2026). Collection method: clinical testing. Allele origin: germline.
Comment: The n.-24_-15dup variant in RMRP is a duplication affecting the RMRP promoter region between the TATA box and the transcription initiation site. Other duplications and insertions just upstream of the transcription initiation site have been reported in individuals affected with cartilage-hair hypoplasia (PMID: 11207361, 17937437). This variant is rare in the general population with a frequency below the threshold expected for the associated phenotype(s). Given the available evidence, this variant is classified as Likely pathogenic.

Laboratorio de Biologia Molecular/Medicina Genomica - IFF/Fiocruz, Instituto Fernandes Figueira, Fundacao Oswaldo Cruz
Classification: Pathogenic for Metaphyseal chondrodysplasia, McKusick type. Last evaluated: 2024-01-25. Review status: criteria provided, single submitter. Criteria: ACMG Guidelines, 2015. Collection method: clinical testing. Allele origin: germline. Affected: yes. Observed: 1 variant allele.
Comment: This alteration is located within the promoter region of the RMRP gene, which encodes an untranslated RNA. Other insertions and duplications in this region have been reported in individuals affected with cartilage-hair hypoplasia-anauxetic dysplasia spectrum disorders (PMID: 11207361, 21956908, 21396580). This variant involves the duplication of 10 nucleotides between the TATA box and the transcription initiation site and functional studies have shown that this type of alteration result in reduced expression of the RMRP gene (PMIDs: 11207361, 16254002). For these reasons, this variant has been classified as Pathogenic.

Counsyl
Classification: Likely pathogenic for Metaphyseal chondrodysplasia, McKusick type. Last evaluated: 2017-03-22. Review status: no assertion criteria provided. Collection method: clinical testing. Allele origin: unknown. Not counted in ClinVar's aggregate classification.

Literature cited by the submitters: PubMed 11207361 (cited by 4 submitters); PubMed 16254002 (cited by 3 submitters); PubMed 16244706 (cited by Dasa and Labcorp Genetics (formerly Invitae), Labcorp); PubMed 12107819 (cited by Dasa and Labcorp Genetics (formerly Invitae), Labcorp); PubMed 21956908 (cited by Dasa); PubMed 21396580 (cited by Dasa); PubMed 17937437 (cited by Natera, Inc. and Counsyl); PubMed 32021596 (cited by Laboratorio de Biologia Molecular/Medicina Genomica - IFF/Fiocruz, Instituto Fernandes Figueira, Fundacao Oswaldo Cruz); PubMed 14608646 (cited by Counsyl).

NR_003051.4(RMRP):n.-23_-14dup

Gene: RMRP (RNA component of mitochondrial RNA processing endoribonuclease; minus strand). Cytogenetic location: 9p13.3.
Variant type: Duplication.
Genome position: GRCh38 VCF-style: chr9-35658032-C-CACAGAGTAGT. GRCh37 (hg19) VCF-style: chr9-35658029-C-CACAGAGTAGT.
Identifiers: ClinVar variation 550938 (VCV000550938.13), dbSNP rs1554651532, ClinGen allele CA658821615.